The following is an entry in ClinVar:

NM_001004334.4(GPR179):c.6092G>T (p.Gly2031Val)

Gene: GPR179 (G protein-coupled receptor 179; minus strand). Cytogenetic location: 17q12.
Variant type: single nucleotide variant.
Coding change: c.6092G>T on transcript NM_001004334.4 (MANE Select); coding-DNA position 6092, G replaced by T.
Protein change: p.Gly2031Val; replaces glycine 2031 with valine.
Molecular consequence: missense variant.
Genome position (GRCh38, 1-based): chr17:38,327,477, C>A on the plus strand (G>T on the coding strand, the complement: GPR179 is on the minus strand). VCF-style: chr17-38327477-C-A. GRCh37 (hg19) VCF-style: chr17-36483360-C-A.
Other names: short protein forms G2031V.
Identifiers: ClinVar variation 1406658 (VCV001406658.8), dbSNP rs773519183, ClinGen allele CA290103128.
Genomic context (GRCh38, chr17:38,327,477, plus strand): 5'-TTTTCTGGGGCTCTGCCTTTCTCTTCTTGAGAGTCCCCTTTTCCATCCTGCCTTGACACC[C>A]CTTTGACAGGGATTCTTTCAGTCACTTCCCAGGGACAGGTCTCAGCCTTGGCACTGCTGT-3'
Protein context (NP_001004334.3, residues 2021-2041): WEVTERIPVK[Gly2031Val]VSRQDGKGDS

ClinVar aggregate classification (germline): Uncertain significance (1 of 4 stars; one submission).

Allele frequency attached by ClinVar (database versions not stated): gnomAD exomes below 0.00001 and 0.00001; ExAC 0.00001; gnomAD 0.00001; TOPMed 0.00001.
gnomAD v4.1: 6 of 1,614,108 alleles (0.00037%); highest among the groups gnomAD compares: African/African-American, 0.0027%; no homozygotes.

Submission:

Labcorp Genetics (formerly Invitae), Labcorp
Classification: Uncertain significance. Last evaluated: 2024-04-16. Review status: criteria provided, single submitter. Criteria: Invitae Variant Classification Sherloc (09022015). Collection method: clinical testing. Allele origin: germline.
Comment: This sequence change replaces glycine, which is neutral and non-polar, with valine, which is neutral and non-polar, at codon 2031 of the GPR179 protein (p.Gly2031Val). This variant is present in population databases (rs773519183, gnomAD 0.01%). This variant has not been reported in the literature in individuals affected with GPR179-related conditions. ClinVar contains an entry for this variant (Variation ID: 1406658). Algorithms developed to predict the effect of missense changes on protein structure and function output the following: SIFT: "Not Available"; PolyPhen-2: "Benign"; Align-GVGD: "Not Available". The valine amino acid residue is found in multiple mammalian species, which suggests that this missense change does not adversely affect protein function. In summary, the available evidence is currently insufficient to determine the role of this variant in disease. Therefore, it has been classified as a Variant of Uncertain Significance.